The following is an entry in ClinVar:

NM_172107.4(KCNQ2):c.634dup (p.Asp212fs)

Gene: KCNQ2 (potassium voltage-gated channel subfamily Q member 2; minus strand). Cytogenetic location: 20q13.33.
Variant type: Duplication.
Coding change: c.634dup on transcript NM_172107.4 (MANE Select); coding-DNA position 634, one base duplicated (G; older notation c.634dupG).
Protein change: p.Asp212fs; shifts the reading frame from aspartic acid 212.
Molecular consequence: frameshift variant.
Genome position (GRCh38, 1-based): chr20:63,444,715, C duplicated on the plus strand (G on the coding strand, the reverse complement: KCNQ2 is on the minus strand); the first of 2 consecutive C bases (chr20:63,444,715-63,444,716); duplicating either gives the same sequence. VCF-style (leftmost placement, unchanged base first): chr20-63444714-T-TC. GRCh37 (hg19) VCF-style: chr20-62076067-T-TC.
Other names: c.634dup, p.Asp212fs (NM_001382235.1, NM_004518.6, NM_172106.3 and 2 more transcripts); c.634dupG (NM_004518.6); short protein forms D212fs.
Identifiers: ClinVar variation 2446712 (VCV002446712.2), dbSNP rs2516502806, ClinGen allele CA2580098390.

ClinVar aggregate classification (germline): Likely pathogenic (1 of 4 stars; one submission).

Conditions:
Developmental and epileptic encephalopathy, 7 (DEE7). Also called: Early infantile epileptic encephalopathy 7; KCNQ2-Related Neonatal-Onset Developmental and Epileptic Encephalopathy (NEO-DEE); KCNQ2-Related Neonatal Epileptic Encephalopathy. Identifiers: Orphanet 439218, MedGen C3150986, MONDO:0013387, OMIM 613720.

Submission:

Lifecell International Pvt. Ltd
Classification: Likely pathogenic for Developmental and epileptic encephalopathy, 7. Review status: criteria provided, single submitter. Criteria: ACMG Guidelines, 2015. Collection method: clinical testing. Allele origin: germline. Inheritance: Autosomal dominant inheritance. Affected: yes. Observed: 1 heterozygote.
Comment: A Heterozygous Frameshift variant c.634dupG in Exon 4 of the KCNQ2 gene that results in the amino acid substitution p.Asp212fs*51 was identified. The observed variant is novel in gnomAD exomes and genomes. The severity of the impact of this variant on the protein is high, based on the effect of the protein and REVEL score . Rare Exome Variant Ensemble Learner (REVEL) is an ensembl method for predicting the pathogenicity of missense variants based on a combination of scores from 13 individual tools: MutPred, FATHMM v2.3, VEST 3.0, PolyPhen-2, SIFT, PROVEAN, MutationAssessor, MutationTaster, LRT, GERP++, SiPhy, phyloP, and phastCons. The REVEL score for an individual missense variant can range from 0 to 1, with higher scores reflecting greater likelihood that the variant is disease-causing. Based on the above evidence this variant has been classified as Likely Pathogenic according to the ACMG guidelines.